The following is an entry in ClinVar:

NM_001197104.2(KMT2A):c.565A>G (p.Ile189Val)

Gene: KMT2A (lysine methyltransferase 2A; plus strand). Cytogenetic location: 11q23.3.
Variant type: single nucleotide variant.
Coding change: c.565A>G on transcript NM_001197104.2 (MANE Select); coding-DNA position 565, A replaced by G.
Protein change: p.Ile189Val; replaces isoleucine 189 with valine.
Molecular consequence: missense variant.
Genome position (GRCh38, 1-based): chr11:118,471,724, A>G. VCF-style: chr11-118471724-A-G. GRCh37 (hg19) VCF-style: chr11-118342439-A-G.
Other names: c.664A>G, p.Ile222Val (NM_001412597.1); c.565A>G, p.Ile189Val (NM_005933.4); short protein forms I189V, I222V.
Identifiers: ClinVar variation 3695747 (VCV003695747.2).

ClinVar aggregate classification (germline): Uncertain significance (1 of 4 stars; one submission).

gnomAD v4.1: 4 of 1,606,492 alleles (0.00025%); highest among the groups gnomAD compares: Admixed American, 0.0053%; no homozygotes.

Submission:

Labcorp Genetics (formerly Invitae), Labcorp
Classification: Uncertain significance. Last evaluated: 2024-08-09. Review status: criteria provided, single submitter. Criteria: Invitae Variant Classification Sherloc (09022015). Collection method: clinical testing. Allele origin: germline.
Comment: This sequence change replaces isoleucine, which is neutral and non-polar, with valine, which is neutral and non-polar, at codon 189 of the KMT2A protein (p.Ile189Val). This variant is present in population databases (rs782596360, gnomAD 0.006%). This variant has not been reported in the literature in individuals affected with KMT2A-related conditions. Advanced modeling of protein sequence and biophysical properties (such as structural, functional, and spatial information, amino acid conservation, physicochemical variation, residue mobility, and thermodynamic stability) performed at Invitae indicates that this missense variant is not expected to disrupt KMT2A protein function with a negative predictive value of 95%. In summary, the available evidence is currently insufficient to determine the role of this variant in disease. Therefore, it has been classified as a Variant of Uncertain Significance.